The following is an entry in ClinVar:

ClinVar aggregate classification (germline): Uncertain significance. Review status: criteria provided, multiple submitters, no conflicts (2 of 4 stars). 3 submissions from 3 submitters: Uncertain significance (3). Last evaluated 2025-04-13.

Conditions:
Saldino-Mainzer syndrome (SRTD9). Also called: Renal dysplasia, retinal pigmentary dystrophy, cerebellar ataxia and skeletal dysplasia; CONORENAL SYNDROME; short-rib thoracic dysplasia 9 with or without polydactyly; SHORT-RIB THORACIC DYSPLASIA 9 WITHOUT POLYDACTYLY. Identifiers: Orphanet 140969, MedGen C1849437, MONDO:0009964, OMIM 266920.
Inborn genetic diseases. Identifiers: MedGen C0950123, MeSH D030342.

Allele frequency attached by ClinVar (database versions not stated): gnomAD 0.00001; gnomAD exomes 0.00001; TOPMed 0.00002.
gnomAD v4.1: 13 of 1,613,096 alleles (0.00081%); highest among the groups gnomAD compares: Middle Eastern, 0.033%; no homozygotes.

Submissions (3):

Ambry Genetics
Classification: Uncertain significance for Inborn genetic diseases. Last evaluated: 2025-04-13. Review status: criteria provided, single submitter. Criteria: Ambry Variant Classification Scheme 2023. Collection method: clinical testing. Allele origin: germline.

Labcorp Genetics (formerly Invitae), Labcorp
Classification: Uncertain significance for Saldino-Mainzer syndrome. Last evaluated: 2022-08-16. Review status: criteria provided, single submitter. Criteria: Invitae Variant Classification Sherloc (09022015). Collection method: clinical testing. Allele origin: germline.
Comment: This sequence change replaces histidine, which is basic and polar, with asparagine, which is neutral and polar, at codon 976 of the IFT140 protein (p.His976Asn). Algorithms developed to predict the effect of missense changes on protein structure and function (SIFT, PolyPhen-2, Align-GVGD) all suggest that this variant is likely to be tolerated. This variant has not been reported in the literature in individuals affected with IFT140-related conditions. This variant is present in population databases (no rsID available, gnomAD 0.0009%). In summary, the available evidence is currently insufficient to determine the role of this variant in disease. Therefore, it has been classified as a Variant of Uncertain Significance.

Breakthrough Genomics
Classification: Uncertain significance. Review status: criteria provided, single submitter. Criteria: ACMG Guidelines, 2015. Collection method: not provided. Allele origin: germline. Inheritance: Autosomal recessive inheritance. Affected: yes.

NM_014714.4(IFT140):c.2926C>A (p.His976Asn)

Genes: IFT140 (intraflagellar transport 140; minus strand), LOC126862260 (CDK7 strongly-dependent group 2 enhancer GRCh37_chr16:1574508-1575707; plus strand). Cytogenetic location: 16p13.3.
Variant type: single nucleotide variant.
Coding change: c.2926C>A on transcript NM_014714.4 (MANE Select); coding-DNA position 2926, C replaced by A.
Protein change: p.His976Asn; replaces histidine 976 with asparagine.
Molecular consequence: missense variant.
Genome position (GRCh38, 1-based): chr16:1,524,855, G>T on the plus strand (C>A on the coding strand, the complement: IFT140 is on the minus strand). VCF-style: chr16-1524855-G-T. GRCh37 (hg19) VCF-style: chr16-1574856-G-T.
Other names: c.2926C>A (NM_014714.3); short protein forms H976N.
Identifiers: ClinVar variation 1899876 (VCV001899876.6), dbSNP rs1285617393, ClinGen allele CA394226426.
Genomic context (GRCh38, chr16:1,524,855, plus strand): 5'-TGCCCTGGAAGCAGTGGATGCGGACCAGGGAGAAGTGGTCCCGGGCCAGCTCGTAGTAGT[G>T]CAGCGCGGCGTCCATCTCGCCCTGGCTCTCCAGGTACTGCGCCCACCACCGCCACAGGGT-3'
Protein context (NP_055529.2, residues 966-986): ESQGEMDAAL[His976Asn]YYELARDHFS